The following is an entry in ClinVar:

ClinVar aggregate classification (germline): Uncertain significance. Review status: criteria provided, multiple submitters, no conflicts (2 of 4 stars). 4 submissions from 4 submitters: Uncertain significance (4). Last evaluated 2024-11-25.

Conditions:
Juvenile polyposis syndrome (JPS). Identifiers: Orphanet 2929, MedGen C0345893, MONDO:0017380, OMIM 174900.
Hereditary cancer-predisposing syndrome. Also called: Tumor predisposition; Neoplastic Syndromes, Hereditary; Hereditary Cancer Syndrome; Hereditary neoplastic syndrome. Identifiers: Orphanet 140162, MedGen C0027672, MeSH D009386, MONDO:0015356.

Allele frequency attached by ClinVar (database versions not stated): gnomAD exomes below 0.00001.
gnomAD v4.1: 1 of 1,613,940 alleles (0.000062%); highest among the groups gnomAD compares: Non-Finnish European, 0.000085%; no homozygotes.

Submissions (4):

Ambry Genetics
Classification: Uncertain significance for Hereditary cancer-predisposing syndrome. Last evaluated: 2024-11-25. Review status: criteria provided, single submitter. Criteria: Ambry Variant Classification Scheme 2023. Collection method: clinical testing. Allele origin: germline.
Comment: The p.T303A variant (also known as c.907A>G), located in coding exon 8 of the BMPR1A gene, results from an A to G substitution at nucleotide position 907. The threonine at codon 303 is replaced by alanine, an amino acid with similar properties. This amino acid position is highly conserved in available vertebrate species. In addition, the in silico prediction for this alteration is inconclusive. Since supporting evidence is limited at this time, the clinical significance of this alteration remains unclear.

Labcorp Genetics (formerly Invitae), Labcorp
Classification: Uncertain significance for Juvenile polyposis syndrome. Last evaluated: 2024-04-24. Review status: criteria provided, single submitter. Criteria: Invitae Variant Classification Sherloc (09022015). Collection method: clinical testing. Allele origin: germline.
Comment: This sequence change replaces threonine, which is neutral and polar, with alanine, which is neutral and non-polar, at codon 303 of the BMPR1A protein (p.Thr303Ala). This variant is not present in population databases (gnomAD no frequency). This variant has not been reported in the literature in individuals affected with BMPR1A-related conditions. ClinVar contains an entry for this variant (Variation ID: 491019). Advanced modeling performed at Invitae incorporating data from internal and/or published experimental studies (Invitae) indicates that this missense variant is not expected to disrupt BMPR1A function with a negative predictive value of 95%. In summary, the available evidence is currently insufficient to determine the role of this variant in disease. Therefore, it has been classified as a Variant of Uncertain Significance.

Color Diagnostics, LLC DBA Color Health
Classification: Uncertain significance for Hereditary cancer-predisposing syndrome. Last evaluated: 2023-12-05. Review status: criteria provided, single submitter. Criteria: ACMG Guidelines, 2015. Collection method: clinical testing. Allele origin: germline.
Comment: This missense variant replaces threonine with alanine at codon 303 of the BMPR1A protein. Computational prediction is inconclusive regarding the impact of this variant on protein structure and function (internally defined REVEL score threshold 0.5 < inconclusive < 0.7, PMID: 27666373). To our knowledge, functional studies have not been reported for this variant. This variant has not been reported in individuals affected with BMPR1A-related disorders in the literature. This variant has not been identified in the general population by the Genome Aggregation Database (gnomAD). The available evidence is insufficient to determine the role of this variant in disease conclusively. Therefore, this variant is classified as a Variant of Uncertain Significance.

All of Us Research Program, National Institutes of Health
Classification: Uncertain significance for Juvenile polyposis syndrome. Last evaluated: 2023-06-26. Review status: criteria provided, single submitter. Criteria: ACMG Guidelines, 2015. Collection method: clinical testing. Allele origin: germline. Inheritance: Autosomal dominant inheritance. Observed: 1 variant allele, 1 heterozygote.
Comment: This study involves interpretation of variants in research participants for the purpose of population health screening. Participant phenotype was not available at the time of variant classification. Additional details can be found in publication PMID: 35346344, PMCID: PMC8962531

NM_004329.3(BMPR1A):c.907A>G (p.Thr303Ala)

Gene: BMPR1A (bone morphogenetic protein receptor type 1A; plus strand). Cytogenetic location: 10q23.2.
Variant type: single nucleotide variant.
Coding change: c.907A>G on transcript NM_004329.3 (MANE Select); coding-DNA position 907, A replaced by G.
Protein change: p.Thr303Ala; replaces threonine 303 with alanine.
Molecular consequence: missense variant.
Genome position (GRCh38, 1-based): chr10:86,919,210, A>G. VCF-style: chr10-86919210-A-G. GRCh37 (hg19) VCF-style: chr10-88678967-A-G.
Other names: short protein forms T303A.
Identifiers: ClinVar variation 491019 (VCV000491019.21), dbSNP rs1554891025, ClinGen allele CA377459993.